The following is an entry in ClinVar:

ClinVar aggregate classification (germline): Uncertain significance (1 of 4 stars; one submission).

Conditions:
Mucopolysaccharidosis, MPS-II (MPS2). Also called: Attenuated MPS (subtype; formerly known as mild MPS II); Severe MPS II; I2S deficiency; MPS 2; Hunter Syndrome; Mucopolysaccharidosis with skin involvement. Identifiers: Orphanet 580, Orphanet 79388, MedGen C0026705, MONDO:0010674, OMIM 309900.

Submission:

Labcorp Genetics (formerly Invitae), Labcorp
Classification: Uncertain significance for Mucopolysaccharidosis, MPS-II. Last evaluated: 2024-12-16. Review status: criteria provided, single submitter. Criteria: Invitae Variant Classification Sherloc (09022015). Collection method: clinical testing. Allele origin: germline.
Comment: This sequence change replaces phenylalanine, which is neutral and non-polar, with leucine, which is neutral and non-polar, at codon 292 of the IDS protein (p.Phe292Leu). This variant is not present in population databases (gnomAD no frequency). This variant has not been reported in the literature in individuals affected with IDS-related conditions. ClinVar contains an entry for this variant (Variation ID: 2122228). Invitae Evidence Modeling of protein sequence and biophysical properties (such as structural, functional, and spatial information, amino acid conservation, physicochemical variation, residue mobility, and thermodynamic stability) indicates that this missense variant is not expected to disrupt IDS protein function with a negative predictive value of 95%. In summary, the available evidence is currently insufficient to determine the role of this variant in disease. Therefore, it has been classified as a Variant of Uncertain Significance.

NM_000202.8(IDS):c.876T>G (p.Phe292Leu)

Genes: IDS (iduronate 2-sulfatase; minus strand), LOC106050102 (IDS recombination region; plus strand). Cytogenetic location: Xq28.
Variant type: single nucleotide variant.
Coding change: c.876T>G on transcript NM_000202.8 (MANE Select); coding-DNA position 876, T replaced by G.
Protein change: p.Phe292Leu; replaces phenylalanine 292 with leucine.
Molecular consequence: missense variant. On other transcripts: non-coding transcript variant (1).
Genome position (GRCh38, 1-based): chrX:149,496,349, A>C on the plus strand (T>G on the coding strand, the complement: IDS is on the minus strand). VCF-style: chrX-149496349-A-C. GRCh37 (hg19) VCF-style: chrX-148577880-A-C.
Other names: c.606T>G, p.Phe202Leu (NM_001166550.4); c.876T>G, p.Phe292Leu (NM_006123.5); short protein forms F292L, F202L.
Identifiers: ClinVar variation 2122228 (VCV002122228.4), dbSNP rs2520849897, ClinGen allele CA414521727.